The following is an entry in ClinVar:

NM_014679.5(CEP57):c.586T>A (p.Tyr196Asn)

Gene: CEP57 (centrosomal protein 57; plus strand). Cytogenetic location: 11q21.
Variant type: single nucleotide variant.
Coding change: c.586T>A on transcript NM_014679.5 (MANE Select); coding-DNA position 586, T replaced by A.
Protein change: p.Tyr196Asn; replaces tyrosine 196 with asparagine.
Molecular consequence: missense variant. On other transcripts: intron variant (7).
Genome position (GRCh38, 1-based): chr11:95,817,868, T>A. VCF-style: chr11-95817868-T-A. GRCh37 (hg19) VCF-style: chr11-95551032-T-A.
Other names: c.586T>A, p.Tyr196Asn (NM_001440871.1, NM_001440874.1, NM_001243777.2); c.406T>A, p.Tyr136Asn (NM_001440873.1); c.505T>A, p.Tyr169Asn (NM_001440875.1, NM_001363604.2, NM_001440869.1 and 1 more transcripts); c.325T>A, p.Tyr109Asn (NM_001440880.1); c.424-959T>A (NM_001440877.1, NM_001440878.1); c.505-959T>A (NM_001440872.1, NM_001440876.1, NM_001440879.1 and 1 more transcripts); c.325-959T>A (NM_001440881.1); c.559T>A, p.Tyr187Asn (NM_001243776.2); short protein forms Y169N, Y109N, Y136N, Y187N, Y196N.
Identifiers: ClinVar variation 4613487 (VCV004613487.1).

ClinVar aggregate classification (germline): Uncertain significance (1 of 4 stars; one submission).

Conditions:
Inborn genetic diseases. Identifiers: MedGen C0950123, MeSH D030342.

Submission:

Ambry Genetics
Classification: Uncertain significance for Inborn genetic diseases. Last evaluated: 2025-10-02. Review status: criteria provided, single submitter. Criteria: Ambry Variant Classification Scheme 2023. Collection method: clinical testing. Allele origin: germline.
Comment: The p.Y196N variant (also known as c.586T>A), located in coding exon 5 of the CEP57 gene, results from a T to A substitution at nucleotide position 586. The tyrosine at codon 196 is replaced by asparagine, an amino acid with dissimilar properties. This amino acid position is conserved. In addition, the in silico prediction for this alteration is inconclusive. Based on the available evidence, the clinical significance of this variant remains unclear.